The following is an entry in ClinVar:

ClinVar aggregate classification (germline): Uncertain significance. Review status: criteria provided, multiple submitters, no conflicts (2 of 4 stars). 2 submissions from 2 submitters: Uncertain significance (2). Last evaluated 2021-06-06.

Conditions:
Inborn genetic diseases. Identifiers: MedGen C0950123, MeSH D030342.

Submissions (2):

Ambry Genetics
Classification: Uncertain significance for Inborn genetic diseases. Last evaluated: 2021-06-06. Review status: criteria provided, single submitter. Criteria: Ambry Variant Classification Scheme 2023. Collection method: clinical testing. Allele origin: germline.
Comment: The c.22_25delACAA (p.T8Sfs*36) alteration, located in exon 1 (coding exon 1) of the TAF6 gene, consists of a deletion of 4 nucleotides from position 22 to 25, causing a translational frameshift with a predicted alternate stop codon after 36 amino acids. Frameshift alterations are typically deleterious in nature (Richards, 2015). Based on insufficient or conflicting evidence, the clinical significance of this alteration remains unclear.

Eurofins Ntd Llc (ga)
Classification: Uncertain significance. Last evaluated: 2015-12-11. Review status: criteria provided, single submitter. Criteria: EGL Classification Definitions 2015. Collection method: clinical testing. Allele origin: germline. Observed: 1 variant allele, 1 heterozygote.

NM_001190415.2(TAF6):c.22_25del (p.Thr8fs)

Genes: CNPY4 (canopy FGF signaling regulator 4; plus strand), TAF6 (TATA-box binding protein associated factor 6; minus strand), LOC129998899 (ATAC-STARR-seq lymphoblastoid active region 26338; plus strand). Cytogenetic location: 7q22.1.
Variant type: Microsatellite.
Coding change: c.22_25del on transcript NM_001190415.2; coding-DNA positions 22 to 25, 4 bases deleted (ACAA; older notation c.22_25delACAA).
Protein change: p.Thr8fs; shifts the reading frame from threonine 8.
Molecular consequence: frameshift variant. On other transcripts: 5 prime UTR variant (1).
Genome position (GRCh38, 1-based): chr7:100,119,722-100,119,725, TTGT deleted on the plus strand (ACAA on the coding strand, the reverse complement: TAF6 is on the minus strand); deleting any 4 consecutive bases within chr7:100,119,722-100,119,729 gives the same sequence; the c. name uses the placement nearest the transcript's 3' end. VCF-style (leftmost placement, unchanged base first): chr7-100119721-ATTGT-A. GRCh37 (hg19) VCF-style: chr7-99717344-ATTGT-A.
Other names: c.-23TTGT[1] (NM_152755.2); short protein forms T8fs.
Identifiers: ClinVar variation 284982 (VCV000284982.10), dbSNP rs755399414, ClinGen allele CA4375877.